The following is an entry in ClinVar:

ClinVar aggregate classification (germline): Uncertain significance. Review status: criteria provided, multiple submitters, no conflicts (2 of 4 stars). 2 submissions from 2 submitters: Uncertain significance (2). Last evaluated 2023-12-24.

Conditions:
Cardiovascular phenotype. Identifiers: MedGen CN230736.

Allele frequency attached by ClinVar (database versions not stated): gnomAD exomes below 0.00001.
gnomAD v4.1: 1 of 1,613,872 alleles (0.000062%); highest among the groups gnomAD compares: Non-Finnish European, 0.000085%; no homozygotes.

Submissions (2):

Ambry Genetics
Classification: Uncertain significance for Cardiovascular phenotype. Last evaluated: 2023-12-24. Review status: criteria provided, single submitter. Criteria: Ambry Variant Classification Scheme 2023. Collection method: clinical testing. Allele origin: germline.
Comment: The p.L3924V variant (also known as c.11770C>G), located in coding exon 26 of the APOB gene, results from a C to G substitution at nucleotide position 11770. The leucine at codon 3924 is replaced by valine, an amino acid with highly similar properties. This amino acid position is conserved. In addition, this alteration is predicted to be tolerated by in silico analysis. Since supporting evidence is limited at this time, the clinical significance of this alteration remains unclear.

GeneDx
Classification: Uncertain significance. Last evaluated: 2023-02-07. Review status: criteria provided, single submitter. Criteria: GeneDx Variant Classification Process June 2021. Collection method: clinical testing. Allele origin: germline. Affected: yes.
Comment: Not observed at significant frequency in large population cohorts (gnomAD); In silico analysis supports that this missense variant does not alter protein structure/function; Has not been previously published as pathogenic or benign to our knowledge

NM_000384.3(APOB):c.11770C>G (p.Leu3924Val)

Gene: APOB (apolipoprotein B; minus strand). Cytogenetic location: 2p24.1.
Variant type: single nucleotide variant.
Coding change: c.11770C>G on transcript NM_000384.3 (MANE Select); coding-DNA position 11770, C replaced by G.
Protein change: p.Leu3924Val; replaces leucine 3924 with valine.
Molecular consequence: missense variant.
Genome position (GRCh38, 1-based): chr2:21,005,098, G>C on the plus strand (C>G on the coding strand, the complement: APOB is on the minus strand). VCF-style: chr2-21005098-G-C. GRCh37 (hg19) VCF-style: chr2-21227970-G-C.
Other names: short protein forms L3924V.
Identifiers: ClinVar variation 2574752 (VCV002574752.2), dbSNP rs2465356018, ClinGen allele CA345977316.